The following is an entry in ClinVar:

NM_001111125.3(IQSEC2):c.1985T>C (p.Leu662Pro)

Gene: IQSEC2 (IQ motif and Sec7 domain ArfGEF 2; minus strand). Cytogenetic location: Xp11.22.
Variant type: single nucleotide variant.
Coding change: c.1985T>C on transcript NM_001111125.3 (MANE Select); coding-DNA position 1985, T replaced by C.
Protein change: p.Leu662Pro; replaces leucine 662 with proline.
Molecular consequence: missense variant.
Genome position (GRCh38, 1-based): chrX:53,250,591, A>G on the plus strand (T>C on the coding strand, the complement: IQSEC2 is on the minus strand). VCF-style: chrX-53250591-A-G. GRCh37 (hg19) VCF-style: chrX-53279773-A-G.
Other names: c.1985T>C, p.Leu662Pro (NM_001410736.1); c.1370T>C, p.Leu457Pro (NM_015075.2); short protein forms L457P, L662P.
Identifiers: ClinVar variation 3902781 (VCV003902781.1).

ClinVar aggregate classification (germline): Uncertain significance (1 of 4 stars; one submission).

Submission:

Women's Health and Genetics/Laboratory Corporation of America, LabCorp
Classification: Uncertain significance. Last evaluated: 2025-05-21. Review status: criteria provided, single submitter. Criteria: LabCorp Variant Classification Summary - May 2015. Collection method: clinical testing. Allele origin: germline.
Comment: Variant summary: IQSEC2 c.1985T>C (p.Leu662Pro) results in a non-conservative amino acid change in the encoded protein sequence. Algorithms developed to predict the effect of missense changes on protein structure and function are either unavailable or do not agree on the potential impact of this missense change. The variant was absent in 177099 control chromosomes. The available data on variant occurrences in the general population are insufficient to allow any conclusion about variant significance. To our knowledge, no occurrence of c.1985T>C in individuals affected with Intellectual Disability, X-Linked 1 and no experimental evidence demonstrating its impact on protein function have been reported. No submitters have cited clinical-significance assessments for this variant to ClinVar. Based on the evidence outlined above, the variant was classified as uncertain significance.